The following is an entry in ClinVar:

NM_001042750.2(STAG2):c.2740C>T (p.Gln914Ter)

Gene: STAG2 (STAG2 cohesin complex component; plus strand). Cytogenetic location: Xq25.
Variant type: single nucleotide variant.
Coding change: c.2740C>T on transcript NM_001042750.2 (MANE Select); coding-DNA position 2740, C replaced by T.
Protein change: p.Gln914Ter; replaces glutamine 914 with a stop codon.
Molecular consequence: nonsense.
Genome position (GRCh38, 1-based): chrX:124,078,023, C>T. VCF-style: chrX-124078023-C-T. GRCh37 (hg19) VCF-style: chrX-123211873-C-T.
Other names: c.2740C>T, p.Gln914Ter (NM_001042749.2, NM_001042751.2, NM_001282418.2 and 13 more transcripts); short protein forms Q914*.
Identifiers: ClinVar variation 1334388 (VCV001334388.3), dbSNP rs1216415127, ClinGen allele CA414278999.
Genomic context (GRCh38, chrX:124,078,023, plus strand): 5'-AATGACTATGGAGATATCATCAAAGAAACAATGAGTAAAACAAGGCAGATAGACAAAATT[C>T]AGTGTGCTAAGACCCTTATTCTCAGTCTGCAACAGGTAAGCATTAAGAGTACCAACTTTA-3'

ClinVar aggregate classification (germline): Likely pathogenic (1 of 4 stars; one submission).

Conditions:
Mullegama-Klein-Martinez syndrome. Also called: NEURODEVELOPMENTAL DISORDER, X-LINKED, WITH CRANIOFACIAL ABNORMALITIES. Identifiers: MedGen C5193008, MONDO:0026722, OMIM 301022.

Submission:

Dasa
Classification: Likely pathogenic for Mullegama-Klein-Martinez syndrome. Last evaluated: 2022-01-05. Review status: criteria provided, single submitter. Criteria: ACMG Guidelines, 2015. Collection method: clinical testing. Allele origin: germline. Affected: yes. Observed: 1 variant allele.
Comment: The variant creates a premature translational stop signal c.2740C>T;p.(Gln914*) in STAG2 gene. It is expected to result in an absent or disrupted protein product - PVS1.This variant is not present in population databases (rs1216415127, gnomAD; ABraOM no frequency) - PM2. In summary, the currently available evidence indicates that the variant is likely pathogenic.